The following is an entry in ClinVar:

NM_004187.5(KDM5C):c.3895G>T (p.Glu1299Ter)

Gene: KDM5C (lysine demethylase 5C; minus strand). Cytogenetic location: Xp11.22.
Variant type: single nucleotide variant.
Coding change: c.3895G>T on transcript NM_004187.5 (MANE Select); coding-DNA position 3895, G replaced by T.
Protein change: p.Glu1299Ter; replaces glutamic acid 1299 with a stop codon.
Molecular consequence: nonsense. On other transcripts: non-coding transcript variant (3).
Genome position (GRCh38, 1-based): chrX:53,194,282, C>A on the plus strand (G>T on the coding strand, the complement: KDM5C is on the minus strand). VCF-style: chrX-53194282-C-A. GRCh37 (hg19) VCF-style: chrX-53223464-C-A.
Other names: c.3694G>T, p.Glu1232Ter (NM_001146702.2); c.3892G>T, p.Glu1298Ter (NM_001282622.3, NM_001353979.2, NM_001353982.2); c.3895G>T, p.Glu1299Ter (NM_001353978.3, NM_001353981.2, NM_001353984.2); short protein forms E1232*, E1298*, E1299*.
Identifiers: ClinVar variation 973225 (VCV000973225.4), dbSNP rs1934657828, ClinGen allele CA413106538.

ClinVar aggregate classification (germline): Pathogenic (1 of 4 stars; one submission).

Conditions:
Intellectual developmental disorder, X-linked, syndromic, Claes-Jensen type. Also called: INTELLECTUAL DEVELOPMENTAL DISORDER, X-LINKED, SYNDROMIC 16; MENTAL RETARDATION, X-LINKED, SYNDROMIC 16; Syndromic X-linked intellectual disability Claes-Jensen type. Identifiers: Orphanet 85279, MedGen C1845243, MONDO:0010355, OMIM 300534.

Submission:

Institute for Genomic Medicine (IGM) Clinical Laboratory, Nationwide Children's Hospital
Classification: Pathogenic for Intellectual developmental disorder, X-linked, syndromic, Claes-Jensen type. Last evaluated: 2018-09-08. Review status: criteria provided, single submitter. Criteria: ACMG Guidelines, 2015. Collection method: clinical testing. Allele origin: germline. Affected: yes.
Comment: [ACMG/AMP: PVS1, PS2, PM2] This alteration is a null variant in a gene where LOF is a known mechanism of disease [PVS1], is de novo in origin as it was not detected in the submitted parental specimens (identity confirmed) [PS2], is absent from or rarely observed in large-scale population databases [PM2].